The following is an entry in ClinVar:

NM_000719.7(CACNA1C):c.2112C>T (p.Thr704=)

Gene: CACNA1C (calcium voltage-gated channel subunit alpha1 C; plus strand). Cytogenetic location: 12p13.33.
Variant type: single nucleotide variant.
Coding change: c.2112C>T on transcript NM_000719.7 (MANE Select); coding-DNA position 2112, C replaced by T.
Protein change: p.Thr704=; no amino-acid change (threonine 704 retained).
Molecular consequence: synonymous variant.
Genome position (GRCh38, 1-based): chr12:2,582,830, C>T. VCF-style: chr12-2582830-C-T. GRCh37 (hg19) VCF-style: chr12-2691996-C-T.
Other names: c.2112C>T, p.Thr704= (NM_001129827.2, NM_001129829.2, NM_001129830.3 and 18 more transcripts); c.2103C>T, p.Thr701= (NM_001129844.2); c.2112C>T (NM_000719.6).
Identifiers: ClinVar variation 1148533 (VCV001148533.10), dbSNP rs766729384, ClinGen allele CA6388910.
Genomic context (GRCh38, chr12:2,582,830, plus strand): 5'-TTTGCTGTTGGTCTAACGCTGTGTCCCTTATTGGTGGGAATGTGTCATTCAGATCCTGAC[C>T]GGGGAGGACTGGAATTCGGTGATGTATGATGGGATCATGGCTTATGGCGGCCCCTCTTTT-3'
Protein context (NP_000710.5, residues 694-714): QSLLTVFQIL[Thr704=]GEDWNSVMYD

ClinVar aggregate classification (germline): Likely benign. Review status: criteria provided, multiple submitters, no conflicts (2 of 4 stars). 2 submissions from 2 submitters: Likely benign (2). Last evaluated 2026-02-07.

Conditions:
CACNA1C-related disorder. Also called: CACNA1C-related condition; CACNA1C-related disorders. Identifiers: MedGen CN381092, MONDO:0700321.
Long QT syndrome (LQTS). Identifiers: MedGen C0023976, MeSH D008133, MONDO:0002442. Disease mechanism: loss of function. Inheritance: Various modes of inheritance.

Allele frequency attached by ClinVar (database versions not stated): ExAC 0.00001; gnomAD exomes 0.00001; TOPMed 0.00001.
gnomAD v4.1: 1 of 1,613,502 alleles (0.000062%); highest among the groups gnomAD compares: Admixed American, 0.0017%; no homozygotes.

Submissions (2):

PreventionGenetics, part of Exact Sciences
Classification: Likely benign for CACNA1C-related condition. Last evaluated: 2026-02-07. Review status: criteria provided, single submitter. Criteria: ACMG Guidelines, 2015. Collection method: clinical testing. Allele origin: germline.
Comment: This variant is classified as likely benign based on ACMG/AMP sequence variant interpretation guidelines (Richards et al. 2015 PMID: 25741868, with internal and published modifications).

Labcorp Genetics (formerly Invitae), Labcorp
Classification: Likely benign for Long QT syndrome. Last evaluated: 2022-03-26. Review status: criteria provided, single submitter. Criteria: Invitae Variant Classification Sherloc (09022015). Collection method: clinical testing. Allele origin: germline.